The following is an entry in ClinVar:

NM_020738.4(KIDINS220):c.592C>A (p.Gln198Lys)

Gene: KIDINS220 (kinase D interacting substrate 220; minus strand). Cytogenetic location: 2p25.1.
Variant type: single nucleotide variant.
Coding change: c.592C>A on transcript NM_020738.4 (MANE Select); coding-DNA position 592, C replaced by A.
Protein change: p.Gln198Lys; replaces glutamine 198 with lysine.
Molecular consequence: missense variant. On other transcripts: non-coding transcript variant (2).
Genome position (GRCh38, 1-based): chr2:8,806,282, G>T on the plus strand (C>A on the coding strand, the complement: KIDINS220 is on the minus strand). VCF-style: chr2-8806282-G-T. GRCh37 (hg19) VCF-style: chr2-8946412-G-T.
Other names: c.595C>A, p.Gln199Lys (NM_001348729.2, NM_001348731.2, NM_001348734.2 and 3 more transcripts); c.592C>A, p.Gln198Lys (NM_001348732.2, NM_001348735.2, NM_001348738.2 and 3 more transcripts); c.466C>A, p.Gln156Lys (NM_001348736.2); short protein forms Q199K, Q198K, Q156K.
Identifiers: ClinVar variation 2744102 (VCV002744102.3), dbSNP rs2528188317, ClinGen allele CA345773503.

ClinVar aggregate classification (germline): Uncertain significance (1 of 4 stars; one submission).

Allele frequency attached by ClinVar (database versions not stated): gnomAD exomes below 0.00001.
gnomAD v4.1: 2 of 1,602,434 alleles (0.00012%); highest among the groups gnomAD compares: Non-Finnish European, 0.00017%; no homozygotes.

Submission:

Labcorp Genetics (formerly Invitae), Labcorp
Classification: Uncertain significance. Last evaluated: 2024-10-25. Review status: criteria provided, single submitter. Criteria: Invitae Variant Classification Sherloc (09022015). Collection method: clinical testing. Allele origin: germline.
Comment: This sequence change replaces glutamine, which is neutral and polar, with lysine, which is basic and polar, at codon 198 of the KIDINS220 protein (p.Gln198Lys). This variant is not present in population databases (gnomAD no frequency). This variant has not been reported in the literature in individuals affected with KIDINS220-related conditions. An algorithm developed to predict the effect of missense changes on protein structure and function (PolyPhen-2) suggests that this variant is likely to be disruptive. In summary, the available evidence is currently insufficient to determine the role of this variant in disease. Therefore, it has been classified as a Variant of Uncertain Significance.